The following is an entry in ClinVar:

NM_006015.6(ARID1A):c.5871C>T (p.Asp1957=)

Gene: ARID1A (AT-rich interaction domain 1A; plus strand). Cytogenetic location: 1p36.11.
Variant type: single nucleotide variant.
Coding change: c.5871C>T on transcript NM_006015.6 (MANE Select); coding-DNA position 5871, C replaced by T.
Protein change: p.Asp1957=; no amino-acid change (aspartic acid 1957 retained).
Molecular consequence: synonymous variant.
Genome position (GRCh38, 1-based): chr1:26,779,769, C>T. VCF-style: chr1-26779769-C-T. GRCh37 (hg19) VCF-style: chr1-27106260-C-T.
Other names: c.5220C>T, p.Asp1740= (NM_139135.4).
Identifiers: ClinVar variation 2898211 (VCV002898211.5), dbSNP rs761246391, ClinGen allele CA19817335.

ClinVar aggregate classification (germline): Likely benign. Review status: criteria provided, single submitter (1 of 4 stars). 2 submissions from 2 submitters: Likely benign (1). 1 of the submissions does not count toward it. Last evaluated 2025-04-12.

Conditions:
ARID1A-related disorder. Also called: ARID1A-related condition.

Allele frequency attached by ClinVar (database versions not stated): gnomAD exomes 0.00001; gnomAD 0.00002.
gnomAD v4.1: 20 of 1,614,004 alleles (0.0012%); highest among the groups gnomAD compares: Non-Finnish European, 0.0015%; no homozygotes.

Submissions (2):

Labcorp Genetics (formerly Invitae), Labcorp
Classification: Likely benign. Last evaluated: 2025-04-12. Review status: criteria provided, single submitter. Criteria: Invitae Variant Classification Sherloc (09022015). Collection method: clinical testing. Allele origin: germline.

PreventionGenetics, part of Exact Sciences
Classification: Likely benign for ARID1A-related condition. Last evaluated: 2023-11-22. Review status: no assertion criteria provided. Collection method: clinical testing. Allele origin: germline. Not counted in ClinVar's aggregate classification.
Comment: This variant is classified as likely benign based on ACMG/AMP sequence variant interpretation guidelines (Richards et al. 2015 PMID: 25741868, with internal and published modifications).